The following is an entry in ClinVar:

ClinVar aggregate classification (germline): Uncertain significance (1 of 4 stars; one submission).

Conditions:
Cardiovascular phenotype. Identifiers: MedGen CN230736.

Submission:

Ambry Genetics
Classification: Uncertain significance for Cardiovascular phenotype. Last evaluated: 2024-09-30. Review status: criteria provided, single submitter. Criteria: Ambry Variant Classification Scheme 2023. Collection method: clinical testing. Allele origin: germline.
Comment: The p.M227L variant (also known as c.679A>C), located in coding exon 7 of the CACNB2 gene, results from an A to C substitution at nucleotide position 679. The methionine at codon 227 is replaced by leucine, an amino acid with highly similar properties. This amino acid position is conserved. In addition, this alteration is predicted to be deleterious by in silico analysis. Based on the available evidence, the clinical significance of this variant remains unclear.

NM_201596.3(CACNB2):c.841A>C (p.Met281Leu)

Gene: CACNB2 (calcium voltage-gated channel auxiliary subunit beta 2; plus strand). Cytogenetic location: 10p12.31.
Variant type: single nucleotide variant.
Coding change: c.841A>C on transcript NM_201596.3 (MANE Select); coding-DNA position 841, A replaced by C.
Protein change: p.Met281Leu; replaces methionine 281 with leucine.
Molecular consequence: missense variant.
Genome position (GRCh38, 1-based): chr10:18,518,372, A>C. VCF-style: chr10-18518372-A-C. GRCh37 (hg19) VCF-style: chr10-18807301-A-C.
Other names: c.676A>C, p.Met226Leu (NM_000724.4); c.643A>C, p.Met215Leu (NM_001167945.2); c.562A>C, p.Met188Leu (NM_001330060.2); c.583A>C, p.Met195Leu (NM_001410882.1); c.697A>C, p.Met233Leu (NM_201570.3); c.757A>C, p.Met253Leu (NM_201571.4); c.685A>C, p.Met229Leu (NM_201572.4); c.679A>C, p.Met227Leu (NM_201590.3); and 2 more; short protein forms M215L, M233L, M253L, M257L, M188L, M195L, M226L, M227L.
Identifiers: ClinVar variation 3484156 (VCV003484156.1).